The following is an entry in ClinVar:

NM_001040716.2(PC):c.543C>T (p.His181=)

Gene: PC (pyruvate carboxylase; minus strand). Cytogenetic location: 11q13.2.
Variant type: single nucleotide variant.
Coding change: c.543C>T on transcript NM_001040716.2 (MANE Select); coding-DNA position 543, C replaced by T.
Protein change: p.His181=; no amino-acid change (histidine 181 retained).
Molecular consequence: synonymous variant.
Genome position (GRCh38, 1-based): chr11:66,871,142, G>A on the plus strand (C>T on the coding strand, the complement: PC is on the minus strand). VCF-style: chr11-66871142-G-A. GRCh37 (hg19) VCF-style: chr11-66638613-G-A.
Other names: c.543C>T (NM_001040716.1); c.543C>T, p.His181= (NM_000920.4, NM_022172.3).
Identifiers: ClinVar variation 305633 (VCV000305633.16), dbSNP rs139717038, ClinGen allele CA6132189.

ClinVar aggregate classification (germline): Conflicting classifications of pathogenicity. Review status: criteria provided, conflicting classifications (1 of 4 stars). 3 submissions from 3 submitters: Uncertain significance (1); Likely benign (1). 1 of the submissions does not count toward it. Last evaluated 2026-01-24.

Conditions:
PC-related disorder. Also called: PC-related condition.
Pyruvate carboxylase deficiency. Also called: ATAXIA WITH LACTIC ACIDOSIS II; LEIGH NECROTIZING ENCEPHALOPATHY DUE TO PYRUVATE CARBOXYLASE DEFICIENCY; LEIGH SYNDROME DUE TO PYRUVATE CARBOXYLASE DEFICIENCY; PC DEFICIENCY; Pyruvate Carboxylase Deficiency Disease. Identifiers: Orphanet 3008, MedGen C0034341, MONDO:0009949, OMIM 266150.

Allele frequency attached by ClinVar (database versions not stated): gnomAD 0.00002 and 0.00007; TOPMed 0.00004; gnomAD exomes 0.00015; ExAC 0.00020; 1000 Genomes Project 0.00040; 1000 Genomes Project 30x 0.00047.
gnomAD v4.1: 187 of 1,613,892 alleles (0.012%); highest among the groups gnomAD compares: South Asian, 0.1%; no homozygotes.

Submissions (3):

Labcorp Genetics (formerly Invitae), Labcorp
Classification: Likely benign for Pyruvate carboxylase deficiency. Last evaluated: 2026-01-24. Review status: criteria provided, single submitter. Criteria: Invitae Variant Classification Sherloc (09022015). Collection method: clinical testing. Allele origin: germline.

Illumina Laboratory Services, Illumina
Classification: Uncertain significance for Pyruvate carboxylase deficiency. Last evaluated: 2018-01-13. Review status: criteria provided, single submitter. Criteria: ICSL Variant Classification Criteria 13 December 2019. Collection method: clinical testing. Allele origin: germline.

PreventionGenetics, part of Exact Sciences
Classification: Likely benign for PC-related condition. Last evaluated: 2019-09-26. Review status: no assertion criteria provided. Collection method: clinical testing. Allele origin: germline. Not counted in ClinVar's aggregate classification.
Comment: This variant is classified as likely benign based on ACMG/AMP sequence variant interpretation guidelines (Richards et al. 2015 PMID: 25741868, with internal and published modifications).